The following is an entry in ClinVar:

ClinVar aggregate classification (germline): Likely benign. Review status: criteria provided, multiple submitters, no conflicts (2 of 4 stars). 2 submissions from 2 submitters: Likely benign (2). Last evaluated 2025-05-27.

Conditions:
NBEAL2-related disorder. Also called: NBEAL2-related condition.

Allele frequency attached by ClinVar (database versions not stated): gnomAD exomes 0.00006 and 0.00010; ESP Exome Variant Server 0.00016; ExAC 0.00030; TOPMed 0.00038; gnomAD 0.00041 and 0.00048.
gnomAD v4.1: 156 of 1,574,742 alleles (0.0099%); highest among the groups gnomAD compares: African/African-American, 0.13%; no homozygotes.

Submissions (2):

PreventionGenetics, part of Exact Sciences
Classification: Likely benign for NBEAL2-related condition. Last evaluated: 2025-05-27. Review status: criteria provided, single submitter. Criteria: ACMG Guidelines, 2015. Collection method: clinical testing. Allele origin: germline.
Comment: This variant is classified as likely benign based on ACMG/AMP sequence variant interpretation guidelines (Richards et al. 2015 PMID: 25741868, with internal and published modifications).

Labcorp Genetics (formerly Invitae), Labcorp
Classification: Likely benign. Last evaluated: 2018-03-29. Review status: criteria provided, single submitter. Criteria: Invitae Variant Classification Sherloc (09022015). Collection method: clinical testing. Allele origin: germline.

NM_015175.3(NBEAL2):c.1392C>T (p.Thr464=)

Gene: NBEAL2 (neurobeachin like 2; plus strand). Cytogenetic location: 3p21.31.
Variant type: single nucleotide variant.
Coding change: c.1392C>T on transcript NM_015175.3 (MANE Select); coding-DNA position 1392, C replaced by T.
Protein change: p.Thr464=; no amino-acid change (threonine 464 retained).
Molecular consequence: synonymous variant.
Genome position (GRCh38, 1-based): chr3:46,995,127, C>T. VCF-style: chr3-46995127-C-T. GRCh37 (hg19) VCF-style: chr3-47036617-C-T.
Other names: c.1290C>T, p.Thr430= (NM_001365116.2).
Identifiers: ClinVar variation 737183 (VCV000737183.4), dbSNP rs373760839, ClinGen allele CA2360381.